The following is an entry in ClinVar:

NM_000528.4(MAN2B1):c.1_2del (p.Met1fs)

Genes: MAN2B1 (mannosidase alpha class 2B member 1; minus strand), LOC130063650 (ATAC-STARR-seq lymphoblastoid silent region 10156; plus strand). Cytogenetic location: 19p13.13.
Variant type: Deletion.
Coding change: c.1_2del on transcript NM_000528.4 (MANE Select); coding-DNA positions 1 to 2, 2 bases deleted (AT; older notation c.1_2delAT).
Protein change: p.Met1fs; shifts the reading frame from methionine 1.
Molecular consequence: frameshift variant, initiator codon variant.
Genome position (GRCh38, 1-based): chr19:12,666,700-12,666,701, AT deleted on the plus strand (AT on the coding strand, the reverse complement: MAN2B1 is on the minus strand). VCF-style (leftmost placement, unchanged base first): chr19-12666699-CAT-C. GRCh37 (hg19) VCF-style: chr19-12777513-CAT-C.
Other names: c.1_2del, p.Met1fs (NM_001173498.2); short protein forms M1fs.
Identifiers: ClinVar variation 554992 (VCV000554992.4), dbSNP rs1290585382, ClinGen allele CA631838804.
Genomic context (GRCh38, chr19:12,666,699, plus strand): 5'-GGGGCCTGCTGAGTCCAGGCAGCCGCGAGCGCAGACCCCCGAAGCCCGCGCGTAGGCGCC[CAT>C]GGCTCAGCAGCTTCCTCCTGGGGTTCCCCGGCCCTGGAAAGGCCGGGCAAACGCCCCGCC-3'

ClinVar aggregate classification (germline): Likely pathogenic. Review status: criteria provided, single submitter (1 of 4 stars). 2 submissions from 2 submitters: Likely pathogenic (1). 1 of the submissions does not count toward it. Last evaluated 2024-07-16.

Conditions:
Deficiency of alpha-mannosidase (MANSA). Also called: Mannosidosis, alpha-, types I and II; Alpha-Mannosidosis; LYSOSOMAL ALPHA-D-MANNOSIDASE DEFICIENCY. Identifiers: Orphanet 61, MedGen C0024748, MONDO:0009561, OMIM 248500.

Allele frequency attached by ClinVar (database versions not stated): gnomAD exomes 0.00001; TOPMed 0.00002.

Submissions (2):

Natera, Inc.
Classification: Likely pathogenic for Alpha-mannosidosis. Last evaluated: 2024-07-16. Review status: criteria provided, single submitter. Criteria: Natera Variant Classification Schema (03/2026). Collection method: clinical testing. Allele origin: germline.
Comment: The c.1_2delAT variant in MAN2B1 is predicted to result in start loss due to disruption of the initiator methionine. This variant is expected to result in nonsense mediated decay, truncation, or a dysfunctional protein product. This variant is rare in the general population with a frequency below the threshold expected for the associated phenotype(s). Given the available evidence, this variant is classified as Likely Pathogenic.

Counsyl
Classification: Uncertain significance for Deficiency of alpha-mannosidase. Last evaluated: 2017-11-10. Review status: no assertion criteria provided. Collection method: clinical testing. Allele origin: unknown. Not counted in ClinVar's aggregate classification.

Literature cited by the submitters: PubMed 21505070 (cited by Counsyl).